The following is an entry in ClinVar:

NM_001130823.3(DNMT1):c.2790C>T (p.Leu930=)

Gene: DNMT1 (DNA methyltransferase 1; minus strand). Cytogenetic location: 19p13.2.
Variant type: single nucleotide variant.
Coding change: c.2790C>T on transcript NM_001130823.3 (MANE Select); coding-DNA position 2790, C replaced by T.
Protein change: p.Leu930=; no amino-acid change (leucine 930 retained).
Molecular consequence: synonymous variant.
Genome position (GRCh38, 1-based): chr19:10,146,455, G>A on the plus strand (C>T on the coding strand, the complement: DNMT1 is on the minus strand). VCF-style: chr19-10146455-G-A. GRCh37 (hg19) VCF-style: chr19-10257131-G-A.
Other names: c.2790C>T (NM_001130823.2); c.2742C>T, p.Leu914= (NM_001318730.2, NM_001379.4); c.2427C>T, p.Leu809= (NM_001318731.2).
Identifiers: ClinVar variation 1136330 (VCV001136330.10), dbSNP rs141460564, ClinGen allele CA9187939.

ClinVar aggregate classification (germline): Likely benign. Review status: criteria provided, multiple submitters, no conflicts (2 of 4 stars). 2 submissions from 2 submitters: Likely benign (2). Last evaluated 2025-10-07.

Conditions:
DNMT1-related disorder. Also called: DNMT1-related condition. Identifiers: MedGen CN381527.
Hereditary sensory neuropathy-deafness-dementia syndrome. Also called: Hereditary sensory neuropathy type IE; HSN IE; NEUROPATHY, HEREDITARY SENSORY, WITH HEARING LOSS AND DEMENTIA; Hereditary Sensory and Autonomic Neuropathy Type 1E (HSAN1E). Identifiers: Orphanet 456318, MedGen C3279885, MONDO:0013584, OMIM 614116.

Allele frequency attached by ClinVar (database versions not stated): gnomAD exomes 0.00001 and 0.00002; ExAC 0.00003; gnomAD 0.00005 and 0.00006; TOPMed 0.00005; ESP Exome Variant Server 0.00015.

Submissions (2):

Labcorp Genetics (formerly Invitae), Labcorp
Classification: Likely benign for Hereditary sensory neuropathy-deafness-dementia syndrome. Last evaluated: 2025-10-07. Review status: criteria provided, single submitter. Criteria: Invitae Variant Classification Sherloc (09022015). Collection method: clinical testing. Allele origin: germline.

PreventionGenetics, part of Exact Sciences
Classification: Likely benign for DNMT1-related condition. Last evaluated: 2025-07-30. Review status: criteria provided, single submitter. Criteria: ACMG Guidelines, 2015. Collection method: clinical testing. Allele origin: germline.
Comment: This variant is classified as likely benign based on ACMG/AMP sequence variant interpretation guidelines (Richards et al. 2015 PMID: 25741868, with internal and published modifications).